The following is an entry in ClinVar:

ClinVar aggregate classification (germline): Uncertain significance (1 of 4 stars; one submission).

Conditions:
Neurofibromatosis, type 2 (SWNV). Also called: BILATERAL ACOUSTIC NEUROFIBROMATOSIS; NF2-Related Schwannomatosis; SCHWANNOMATOSIS, VESTIBULAR. Identifiers: Orphanet 637, MedGen C0027832, MONDO:0007039, OMIM 101000. Disease mechanism: loss of function.

Submission:

Labcorp Genetics (formerly Invitae), Labcorp
Classification: Uncertain significance for Neurofibromatosis, type 2. Last evaluated: 2020-08-26. Review status: criteria provided, single submitter. Criteria: Invitae Variant Classification Sherloc (09022015). Collection method: clinical testing. Allele origin: germline.
Comment: In summary, the available evidence is currently insufficient to determine the role of this variant in disease. Therefore, it has been classified as a Variant of Uncertain Significance. Algorithms developed to predict the effect of missense changes on protein structure and function (SIFT, PolyPhen-2, Align-GVGD) all suggest that this variant is likely to be tolerated, but these predictions have not been confirmed by published functional studies and their clinical significance is uncertain. This variant has not been reported in the literature in individuals with NF2-related conditions. This variant is not present in population databases (ExAC no frequency). This sequence change replaces isoleucine with leucine at codon 113 of the NF2 protein (p.Ile113Leu). The isoleucine residue is highly conserved and there is a small physicochemical difference between isoleucine and leucine.

NM_000268.4(NF2):c.337A>C (p.Ile113Leu)

Gene: NF2 (NF2, moesin-ezrin-radixin like (MERLIN) tumor suppressor; plus strand). Cytogenetic location: 22q12.2.
Variant type: single nucleotide variant.
Coding change: c.337A>C on transcript NM_000268.4 (MANE Select); coding-DNA position 337, A replaced by C.
Protein change: p.Ile113Leu; replaces isoleucine 113 with leucine.
Molecular consequence: missense variant. On other transcripts: non-coding transcript variant (1), intron variant (3).
Genome position (GRCh38, 1-based): chr22:29,639,186, A>C. VCF-style: chr22-29639186-A-C. GRCh37 (hg19) VCF-style: chr22-30035175-A-C.
Other names: c.337A>C, p.Ile113Leu (NM_016418.5, NM_181825.3, NM_181832.3 and 1 more transcripts); c.211A>C, p.Ile71Leu (NM_181828.3); c.240+2310A>C (NM_181829.3); c.115-3016A>C (NM_181830.3, NM_181831.3); short protein forms I113L, I71L.
Identifiers: ClinVar variation 1047126 (VCV001047126.9), dbSNP rs1328289194, ClinGen allele CA411153339.